The following is an entry in ClinVar:

ClinVar aggregate classification (germline): Uncertain significance (1 of 4 stars; one submission).

Conditions:
Familial adenomatous polyposis 1 (FAP1). Also called: FAMILIAL ADENOMATOUS POLYPOSIS 1, ATTENUATED; POLYPOSIS, ADENOMATOUS INTESTINAL. Identifiers: MedGen C2713442, MONDO:0021056, OMIM 175100. Disease mechanism: loss of function.

Allele frequency attached by ClinVar (database versions not stated): gnomAD exomes 0.00001.

Submission:

Labcorp Genetics (formerly Invitae), Labcorp
Classification: Uncertain significance for Familial adenomatous polyposis 1. Last evaluated: 2024-09-01. Review status: criteria provided, single submitter. Criteria: Invitae Variant Classification Sherloc (09022015). Collection method: clinical testing. Allele origin: germline.
Comment: This variant occurs in a non-coding region of the APC gene. It does not change the encoded amino acid sequence of the APC protein. This variant is not present in population databases (gnomAD no frequency). This variant has not been reported in the literature in individuals affected with APC-related conditions. Experimental studies and prediction algorithms are not available or were not evaluated, and the functional significance of this variant is currently unknown. In summary, the available evidence is currently insufficient to determine the role of this variant in disease. Therefore, it has been classified as a Variant of Uncertain Significance.

NM_001127511.3(APC):c.2T>C (p.Met1Thr)

Gene: APC (APC regulator of Wnt signaling pathway; plus strand). Cytogenetic location: 5q22.2.
Variant type: single nucleotide variant.
Coding change: c.2T>C on transcript NM_001127511.3; coding-DNA position 2, T replaced by C.
Protein change: p.Met1Thr; changes the start codon (methionine 1).
Molecular consequence: missense variant, initiator codon variant. On other transcripts: 5 prime UTR variant (8), non-coding transcript variant (1), intron variant (5).
Genome position (GRCh38, 1-based): chr5:112,707,719, T>C. VCF-style: chr5-112707719-T-C. GRCh37 (hg19) VCF-style: chr5-112043416-T-C.
Other names: c.-182T>C (NM_001354895.2, NM_001407447.1, NM_001407452.1 and 3 more transcripts); c.2T>C, p.Met1Thr (NM_001354897.2, NM_001354902.2, NM_001407446.1); c.-1217T>C (NM_001407470.1, NM_001407472.1); c.-19+70T>C (NM_001407448.1, NM_001407450.1, NM_001407457.1 and 1 more transcripts); c.-43+70T>C (NM_001407453.1); short protein forms M1T.
Identifiers: ClinVar variation 1056601 (VCV001056601.10), dbSNP rs575661645, ClinGen allele CA124925099.